The following is an entry in ClinVar:

NM_018486.3(HDAC8):c.22G>A (p.Ala8Thr)

Gene: HDAC8 (histone deacetylase 8; minus strand). Cytogenetic location: Xq13.1.
Variant type: single nucleotide variant.
Coding change: c.22G>A on transcript NM_018486.3 (MANE Select); coding-DNA position 22, G replaced by A.
Protein change: p.Ala8Thr; replaces alanine 8 with threonine.
Molecular consequence: missense variant. On other transcripts: non-coding transcript variant (1).
Genome position (GRCh38, 1-based): chrX:72,572,740, C>T on the plus strand (G>A on the coding strand, the complement: HDAC8 is on the minus strand). VCF-style: chrX-72572740-C-T. GRCh37 (hg19) VCF-style: chrX-71792590-C-T.
Other names: c.22G>A, p.Ala8Thr (NM_001166418.2, NM_001166419.2, NM_001166420.2 and 2 more transcripts); short protein forms A8T.
Identifiers: ClinVar variation 931504 (VCV000931504.35), dbSNP rs200093133, ClinGen allele CA10450376.

ClinVar aggregate classification (germline): Conflicting classifications of pathogenicity. Review status: criteria provided, conflicting classifications (1 of 4 stars). 4 submissions from 4 submitters: Uncertain significance (1); Benign (1); Likely benign (2). Last evaluated 2026-09-01.

Conditions:
Inborn genetic diseases. Identifiers: MedGen C0950123, MeSH D030342.
Cornelia de Lange syndrome 5 (CDLS5). Also called: HDAC8-Related Cornelia de Lange Syndrome. Identifiers: Orphanet 199, MedGen C3550903, MONDO:0010471, OMIM 300882.

Allele frequency attached by ClinVar (database versions not stated): ExAC 0.00002; gnomAD 0.00002; TOPMed 0.00002; gnomAD exomes 0.00003.
gnomAD v4.1: 39 of 1,207,380 alleles (0.0032%); highest among the groups gnomAD compares: Middle Eastern, 0.023%; no homozygotes.

Submissions (4):

CeGaT Center for Human Genetics Tuebingen
Classification: Likely benign. Last evaluated: 2026-09-01. Review status: criteria provided, single submitter. Criteria: CeGaT Center For Human Genetics Tuebingen Variant Classification Criteria Version 2. Collection method: clinical testing. Allele origin: germline. Affected: yes. Observed: 3 variant alleles.
Comment: HDAC8: BP4, BS2

Labcorp Genetics (formerly Invitae), Labcorp
Classification: Benign for Cornelia de Lange syndrome 5. Last evaluated: 2024-12-02. Review status: criteria provided, single submitter. Criteria: Invitae Variant Classification Sherloc (09022015). Collection method: clinical testing. Allele origin: germline.

Ambry Genetics
Classification: Likely benign for Inborn genetic diseases. Last evaluated: 2024-01-03. Review status: criteria provided, single submitter. Criteria: Ambry Variant Classification Scheme 2023. Collection method: clinical testing. Allele origin: germline.

Centre for Mendelian Genomics, University Medical Centre Ljubljana
Classification: Uncertain significance for Cornelia de Lange syndrome 5. Last evaluated: 2019-02-25. Review status: criteria provided, single submitter. Criteria: ACMG Guidelines, 2015. Collection method: clinical testing. Allele origin: unknown. Affected: yes.
Comment: This variant was classified as: Uncertain significance. The available evidence on this variant's pathogenicity is insufficient or conflicting.